The following is an entry in ClinVar:

NM_024422.6(DSC2):c.2456G>T (p.Cys819Phe)

Gene: DSC2 (desmocollin 2; minus strand). Cytogenetic location: 18q12.1.
Variant type: single nucleotide variant.
Coding change: c.2456G>T on transcript NM_024422.6 (MANE Select); coding-DNA position 2456, G replaced by T.
Protein change: p.Cys819Phe; replaces cysteine 819 with phenylalanine.
Molecular consequence: missense variant.
Genome position (GRCh38, 1-based): chr18:31,068,946, C>A on the plus strand (G>T on the coding strand, the complement: DSC2 is on the minus strand). VCF-style: chr18-31068946-C-A. GRCh37 (hg19) VCF-style: chr18-28648912-C-A.
Other names: c.2027G>T, p.Cys676Phe (NM_001406506.1, NM_001406507.1); c.2456G>T, p.Cys819Phe (NM_004949.5); short protein forms C819F, C676F.
Identifiers: ClinVar variation 5035591 (VCV005035591.1).
Genomic context (GRCh38, chr18:31,068,946, plus strand): 5'-AAACTCACTTCACCAAGACGGGGCTGAGTAAAACTGTGCCACTCCGAGTAAGTGTATCTG[C>A]AGTTGTCCACCTCCGTGTGTCCTCCCCTGCAGGAGTCCAGGGTGTGATGGTGGCCAGCCC-3'
Protein context (NP_077740.1, residues 809-829): CRGGHTEVDN[Cys819Phe]RYTYSEWHSF

ClinVar aggregate classification (germline): Uncertain significance (1 of 4 stars; one submission).

Conditions:
Cardiovascular phenotype. Identifiers: MedGen CN230736.

Submission:

Ambry Genetics
Classification: Uncertain significance for Cardiovascular phenotype. Last evaluated: 2026-07-07. Review status: criteria provided, single submitter. Criteria: Ambry Variant Classification Scheme 2023. Collection method: clinical testing. Allele origin: germline.
Comment: The p.C819F variant (also known as c.2456G>T), located in coding exon 15 of the DSC2 gene, results from a G to T substitution at nucleotide position 2456. The cysteine at codon 819 is replaced by phenylalanine, an amino acid with highly dissimilar properties. This amino acid position is conserved. In addition, this alteration is predicted to be tolerated by in silico analysis. Based on the available evidence, the clinical significance of this variant remains unclear.